The following is an entry in ClinVar:

ClinVar aggregate classification (germline): Benign/Likely benign. Review status: criteria provided, multiple submitters, no conflicts (2 of 4 stars). 2 submissions from 2 submitters: Benign (1); Likely benign (1). Last evaluated 2024-10-01.

Conditions:
Familial cancer of breast. Also called: Hereditary breast cancer; BREAST CANCER, FAMILIAL; hereditary breast carcinoma. Identifiers: Orphanet 227535, MedGen C0346153, MONDO:0016419, OMIM 114480. Disease mechanism: loss of function.

Allele frequency attached by ClinVar (database versions not stated): ExAC 0.00001; gnomAD exomes below 0.00001 and 0.00001; gnomAD 0.00001; TOPMed 0.00001.
gnomAD v4.1: 13 of 1,613,982 alleles (0.00081%); highest among the groups gnomAD compares: African/African-American, 0.004%; no homozygotes.

Submissions (2):

Myriad Genetics, Inc.
Classification: Benign for Familial cancer of breast. Last evaluated: 2024-10-01. Review status: criteria provided, single submitter. Criteria: Myriad Autosomal Dominant, Autosomal Recessive and X-Linked Classification Criteria (2023). Collection method: clinical testing. Allele origin: unknown.
Comment: This variant is considered benign. This variant occurs in the non-coding 3' untranslated region of the gene, and is not expected to impact protein function.

GeneDx
Classification: Likely benign. Last evaluated: 2022-07-01. Review status: criteria provided, single submitter. Criteria: GeneDx Variant Classification Process June 2021. Collection method: clinical testing. Allele origin: germline. Affected: yes.
Comment: See Variant Classification Assertion Criteria.

NM_000051.4(ATM):c.*1T>A

Genes: ATM (ATM serine/threonine kinase; plus strand), C11orf65 (chromosome 11 open reading frame 65; minus strand). Cytogenetic location: 11q22.3.
Variant type: single nucleotide variant.
Coding change: c.*1T>A on transcript NM_000051.4 (MANE Select); 1 bases downstream of the stop codon, T replaced by A.
Molecular consequence: 3 prime UTR variant. On other transcripts: intron variant (2).
Genome position (GRCh38, 1-based): chr11:108,365,509, T>A. VCF-style: chr11-108365509-T-A. GRCh37 (hg19) VCF-style: chr11-108236236-T-A.
Other names: c.*1T>A (NM_001351834.2); c.640+20411A>T (NM_001330368.2); c.694+20411A>T (NM_001351110.2).
Identifiers: ClinVar variation 383897 (VCV000383897.5), dbSNP rs757922166, ClinGen allele CA6266523.